The following is an entry in ClinVar:

NM_181507.2(HPS5):c.825-1G>A

Gene: HPS5 (HPS5 biogenesis of lysosomal organelles complex 2 subunit 2; minus strand). Cytogenetic location: 11p15.1.
Variant type: single nucleotide variant.
Coding change: c.825-1G>A on transcript NM_181507.2 (MANE Select); the canonical splice acceptor site of the intron before coding-DNA position 825, G replaced by A.
Molecular consequence: splice acceptor variant. On other transcripts: intron variant (3).
Genome position (GRCh38, 1-based): chr11:18,305,494, C>T on the plus strand (G>A on the coding strand, the complement: HPS5 is on the minus strand). VCF-style: chr11-18305494-C-T. GRCh37 (hg19) VCF-style: chr11-18327041-C-T.
Other names: c.482+641G>A (NM_001440929.1, NM_001440928.1, NM_001440927.1); c.483-1G>A (NM_181508.2, NM_001440921.1, NM_001440926.1 and 7 more transcripts); c.714-1G>A (NM_001440915.1, NM_001440914.1, NM_001440913.1); c.825-1G>A (NM_001440931.1, NM_001440917.1, NM_001440906.1 and 5 more transcripts); c.750-1G>A (NM_001440907.1, NM_001440909.1, NM_001440908.1); c.612-1G>A (NM_001440919.1); c.639-1G>A (NM_001440918.1).
Identifiers: ClinVar variation 2072600 (VCV002072600.5), dbSNP rs2134423817, ClinGen allele CA379501298.

ClinVar aggregate classification (germline): Pathogenic/Likely pathogenic. Review status: criteria provided, multiple submitters, no conflicts (2 of 4 stars). 2 submissions from 2 submitters: Pathogenic (1); Likely pathogenic (1). Last evaluated 2025-07-29.

Conditions:
Hermansky-Pudlak syndrome 5 (HPS5). Identifiers: Orphanet 231512, Orphanet 79430, MedGen C3888004, MONDO:0013557, OMIM 614074.

Allele frequency attached by ClinVar (database versions not stated): gnomAD exomes below 0.00001.

Submissions (2):

3billion
Classification: Pathogenic for Hermansky-Pudlak syndrome 5. Last evaluated: 2025-07-29. Review status: criteria provided, single submitter. Criteria: ACMG Guidelines, 2015. Collection method: clinical testing. Allele origin: germline. Affected: yes.
Comment: The variant is observed at an extremely low frequency in the gnomAD v4.1.0 dataset (total allele frequency: <0.001%). Predicted Consequence/Location: Canonical splice site: predicted to alter splicing and result in a loss or disruption of normal protein function. Multiple pathogenic loss-of-function variants are reported downstream of the variant. In silico tools predict the variant to alter splicing and produce an abnormal transcript [SpliceAI: 1.00 (spliceogenicity >=0.2, non-spliceogenicity <0.1)]. The variant has been reported to be associated with HPS5-related disorder (ClinVar ID: VCV002072600). Therefore, this variant is classified as Pathogenic according to the recommendation of ACMG/AMP guideline.

Labcorp Genetics (formerly Invitae), Labcorp
Classification: Likely pathogenic. Last evaluated: 2022-01-03. Review status: criteria provided, single submitter. Criteria: Invitae Variant Classification Sherloc (09022015). Collection method: clinical testing. Allele origin: germline.
Comment: In summary, the currently available evidence indicates that the variant is pathogenic, but additional data are needed to prove that conclusively. Therefore, this variant has been classified as Likely Pathogenic. Algorithms developed to predict the effect of sequence changes on RNA splicing suggest that this variant may disrupt the consensus splice site. This variant has not been reported in the literature in individuals affected with HPS5-related conditions. This variant is not present in population databases (gnomAD no frequency). This sequence change affects an acceptor splice site in intron 7 of the HPS5 gene. It is expected to disrupt RNA splicing. Variants that disrupt the donor or acceptor splice site typically lead to a loss of protein function (PMID: 16199547), and loss-of-function variants in HPS5 are known to be pathogenic (PMID: 12548288, 15296495, 21833017, 26785811).

Literature cited by the submitters: PubMed 16199547 (cited by Labcorp Genetics (formerly Invitae), Labcorp); PubMed 12548288 (cited by Labcorp Genetics (formerly Invitae), Labcorp); PubMed 15296495 (cited by Labcorp Genetics (formerly Invitae), Labcorp); PubMed 21833017 (cited by Labcorp Genetics (formerly Invitae), Labcorp); PubMed 26785811 (cited by Labcorp Genetics (formerly Invitae), Labcorp).